The following is an entry in ClinVar:

NM_004104.5(FASN):c.3169A>G (p.Ile1057Val)

Gene: FASN (fatty acid synthase; minus strand). Cytogenetic location: 17q25.3.
Variant type: single nucleotide variant.
Coding change: c.3169A>G on transcript NM_004104.5 (MANE Select); coding-DNA position 3169, A replaced by G.
Protein change: p.Ile1057Val; replaces isoleucine 1057 with valine.
Molecular consequence: missense variant.
Genome position (GRCh38, 1-based): chr17:82,087,379, T>C on the plus strand (A>G on the coding strand, the complement: FASN is on the minus strand). VCF-style: chr17-82087379-T-C. GRCh37 (hg19) VCF-style: chr17-80045255-T-C.
Other names: c.3169A>G (NM_004104.4); short protein forms I1057V.
Identifiers: ClinVar variation 2194718 (VCV002194718.5), dbSNP rs141517558, ClinGen allele CA8852494.

ClinVar aggregate classification (germline): Uncertain significance. Review status: criteria provided, multiple submitters, no conflicts (2 of 4 stars). 2 submissions from 2 submitters: Uncertain significance (2). Last evaluated 2025-12-10.

Conditions:
Epileptic encephalopathy. Identifiers: MedGen C0543888, HP:0200134.

Allele frequency attached by ClinVar (database versions not stated): gnomAD 0.00001; TOPMed 0.00002; ExAC 0.00003; gnomAD exomes 0.00004; ESP Exome Variant Server 0.00008.
gnomAD v4.1: 57 of 1,612,588 alleles (0.0035%); highest among the groups gnomAD compares: Non-Finnish European, 0.0044%; no homozygotes.

Submissions (2):

Labcorp Genetics (formerly Invitae), Labcorp
Classification: Uncertain significance for Epileptic encephalopathy. Last evaluated: 2025-12-10. Review status: criteria provided, single submitter. Criteria: Invitae Variant Classification Sherloc (09022015). Collection method: clinical testing. Allele origin: germline.
Comment: This sequence change replaces isoleucine, which is neutral and non-polar, with valine, which is neutral and non-polar, at codon 1057 of the FASN protein (p.Ile1057Val). This variant is present in population databases (rs141517558, gnomAD 0.007%). This variant has not been reported in the literature in individuals affected with FASN-related conditions. ClinVar contains an entry for this variant (Variation ID: 2194718). An algorithm developed to predict the effect of missense changes on protein structure and function (PolyPhen-2) suggests that this variant is likely to be tolerated. In summary, the available evidence is currently insufficient to determine the role of this variant in disease. Therefore, it has been classified as a Variant of Uncertain Significance.

Ambry Genetics
Classification: Uncertain significance. Last evaluated: 2024-12-04. Review status: criteria provided, single submitter. Criteria: Ambry Variant Classification Scheme 2023. Collection method: clinical testing. Allele origin: germline.